The following is an entry in ClinVar:

ClinVar aggregate classification (germline): Uncertain significance. Review status: criteria provided, multiple submitters, no conflicts (2 of 4 stars). 2 submissions from 2 submitters: Uncertain significance (2). Last evaluated 2025-12-30.

Conditions:
Hereditary cancer-predisposing syndrome. Also called: Hereditary Cancer Syndrome; Neoplastic Syndromes, Hereditary; Tumor predisposition; Hereditary neoplastic syndrome. Identifiers: Orphanet 140162, MedGen C0027672, MeSH D009386, MONDO:0015356.
EGFR-related lung cancer (EGFR). Identifiers: MedGen CN130014.

Allele frequency attached by ClinVar (database versions not stated): gnomAD exomes below 0.00001 and 0.00001; gnomAD 0.00001; ExAC 0.00002; TOPMed 0.00003.
gnomAD v4.1: 6 of 1,614,078 alleles (0.00037%); highest among the groups gnomAD compares: African/African-American, 0.0067%; no homozygotes.

Submissions (2):

Ambry Genetics
Classification: Uncertain significance for Hereditary cancer-predisposing syndrome. Last evaluated: 2025-12-30. Review status: criteria provided, single submitter. Criteria: Ambry Variant Classification Scheme 2023. Collection method: clinical testing. Allele origin: germline.

Labcorp Genetics (formerly Invitae), Labcorp
Classification: Uncertain significance for EGFR-related lung cancer. Last evaluated: 2025-10-27. Review status: criteria provided, single submitter. Criteria: Invitae Variant Classification Sherloc (09022015). Collection method: clinical testing. Allele origin: germline.
Comment: This sequence change replaces glutamic acid, which is acidic and polar, with lysine, which is basic and polar, at codon 59 of the EGFR protein (p.Glu59Lys). This variant is present in population databases (rs760228905, gnomAD 0.01%). This variant has not been reported in the literature in individuals affected with EGFR-related conditions. ClinVar contains an entry for this variant (Variation ID: 1014610). Invitae Evidence Modeling of protein sequence and biophysical properties (such as structural, functional, and spatial information, amino acid conservation, physicochemical variation, residue mobility, and thermodynamic stability) indicates that this missense variant is not expected to disrupt EGFR protein function with a negative predictive value of 80%. In summary, the available evidence is currently insufficient to determine the role of this variant in disease. Therefore, it has been classified as a Variant of Uncertain Significance.

NM_005228.5(EGFR):c.175G>A (p.Glu59Lys)

Gene: EGFR (epidermal growth factor receptor; plus strand). Cytogenetic location: 7p11.2.
Variant type: single nucleotide variant.
Coding change: c.175G>A on transcript NM_005228.5 (MANE Select); coding-DNA position 175, G replaced by A.
Protein change: p.Glu59Lys; replaces glutamic acid 59 with lysine.
Molecular consequence: missense variant. On other transcripts: intron variant (1).
Genome position (GRCh38, 1-based): chr7:55,142,372, G>A. VCF-style: chr7-55142372-G-A. GRCh37 (hg19) VCF-style: chr7-55210065-G-A.
Other names: c.175G>A (NM_005228.3); c.175G>A, p.Glu59Lys (NM_001346897.2, NM_001346898.2, NM_001346899.2 and 3 more transcripts); c.16G>A, p.Glu6Lys (NM_001346900.2); c.89-13458G>A (NM_001346941.2); short protein forms E59K, E6K.
Identifiers: ClinVar variation 1014610 (VCV001014610.10), dbSNP rs760228905, ClinGen allele CA4265147.
Genomic context (GRCh38, chr7:55,142,372, plus strand): 5'-ACGCAGTTGGGCACTTTTGAAGATCATTTTCTCAGCCTCCAGAGGATGTTCAATAACTGT[G>A]AGGTGGTCCTTGGGAATTTGGAAATTACCTATGTGCAGAGGAATTATGATCTTTCCTTCT-3'
Protein context (NP_005219.2, residues 49-69): LSLQRMFNNC[Glu59Lys]VVLGNLEITY